The following is an entry in ClinVar:

ClinVar aggregate classification (germline): Uncertain significance. Review status: criteria provided, multiple submitters, no conflicts (2 of 4 stars). 2 submissions from 2 submitters: Uncertain significance (2). Last evaluated 2020-08-03.

Conditions:
Hereditary factor VIII deficiency disease (HEMA). Also called: AUTOSOMAL HEMOPHILIA A; Hemophilia A, congenital; HEM A; Factor 8 deficiency, congenital; HEMOPHILIA, CLASSIC; Hemophilia A. Identifiers: Orphanet 98878, MedGen C0019069, MONDO:0010602, OMIM 306700.

Allele frequency attached by ClinVar (database versions not stated): gnomAD exomes below 0.00001; gnomAD 0.00001; TOPMed 0.00001.
gnomAD v4.1: 4 of 1,209,189 alleles (0.00033%); highest among the groups gnomAD compares: South Asian, 0.0018%; no homozygotes.

Submissions (2):

Genetics and Molecular Pathology, SA Pathology
Classification: Uncertain significance for Hereditary factor VIII deficiency disease. Last evaluated: 2020-08-03. Review status: criteria provided, single submitter. Criteria: ACMG Guidelines, 2015. Collection method: clinical testing. Allele origin: germline. Inheritance: X-linked recessive inheritance. Affected: yes.
Comment: PM1, PP2, PP3, PP5

ARUP Laboratories, Molecular Genetics and Genomics, ARUP Laboratories
Classification: Uncertain significance for Hereditary factor VIII deficiency disease. Last evaluated: 2020-07-07. Review status: criteria provided, single submitter. Criteria: ARUP Molecular Germline Variant Investigation Process. Collection method: clinical testing. Allele origin: germline.
Comment: The F8 c.1573G>A; p.Gly525Arg variant, also known as p.Gly506Arg, is reported in the literature in at least one individual affected with mild hemophilia A (Reitter 2010). This variant is only observed on one allele in the Genome Aggregation Database, indicating it is not a common polymorphism. The glycine at codon 525 is highly conserved, and computational analyses (SIFT, PolyPhen-2) predict that this variant is deleterious. However, given the lack of clinical and functional data, the significance of the p.Gly525Arg variant is uncertain at this time. References: Reitter S et al. Spectrum of causative mutations in patients with haemophilia A in Austria. Thromb Haemost. 2010;104(1):78-85.

NM_000132.4(F8):c.1573G>A (p.Gly525Arg)

Gene: F8 (coagulation factor VIII; minus strand). Cytogenetic location: Xq28.
Variant type: single nucleotide variant.
Coding change: c.1573G>A on transcript NM_000132.4 (MANE Select); coding-DNA position 1573, G replaced by A.
Protein change: p.Gly525Arg; replaces glycine 525 with arginine.
Molecular consequence: missense variant.
Genome position (GRCh38, 1-based): chrX:154,957,136, C>T on the plus strand (G>A on the coding strand, the complement: F8 is on the minus strand). VCF-style: chrX-154957136-C-T. GRCh37 (hg19) VCF-style: chrX-154185411-C-T.
Other names: short protein forms G525R.
Identifiers: ClinVar variation 993704 (VCV000993704.10), dbSNP rs1357976820, ClinGen allele CA414912194.